The following is an entry in ClinVar:

ClinVar aggregate classification (germline): Uncertain significance (1 of 4 stars; one submission).

Submission:

Labcorp Genetics (formerly Invitae), Labcorp
Classification: Uncertain significance. Last evaluated: 2024-01-08. Review status: criteria provided, single submitter. Criteria: Invitae Variant Classification Sherloc (09022015). Collection method: clinical testing. Allele origin: germline.
Comment: This sequence change replaces valine, which is neutral and non-polar, with alanine, which is neutral and non-polar, at codon 451 of the BACH2 protein (p.Val451Ala). This variant is not present in population databases (gnomAD no frequency). This variant has not been reported in the literature in individuals affected with BACH2-related conditions. Advanced modeling of protein sequence and biophysical properties (such as structural, functional, and spatial information, amino acid conservation, physicochemical variation, residue mobility, and thermodynamic stability) performed at Invitae indicates that this missense variant is not expected to disrupt BACH2 protein function with a negative predictive value of 80%. In summary, the available evidence is currently insufficient to determine the role of this variant in disease. Therefore, it has been classified as a Variant of Uncertain Significance.

NM_021813.4(BACH2):c.1352T>C (p.Val451Ala)

Gene: BACH2 (BACH transcriptional regulator 2; minus strand). Cytogenetic location: 6q15.
Variant type: single nucleotide variant.
Coding change: c.1352T>C on transcript NM_021813.4 (MANE Select); coding-DNA position 1352, T replaced by C.
Protein change: p.Val451Ala; replaces valine 451 with alanine.
Molecular consequence: missense variant.
Genome position (GRCh38, 1-based): chr6:89,950,754, A>G on the plus strand (T>C on the coding strand, the complement: BACH2 is on the minus strand). VCF-style: chr6-89950754-A-G. GRCh37 (hg19) VCF-style: chr6-90660473-A-G.
Other names: c.1352T>C, p.Val451Ala (NM_001170794.2); short protein forms V451A.
Identifiers: ClinVar variation 2708199 (VCV002708199.3), dbSNP rs2533565483, ClinGen allele CA365071023.
Genomic context (GRCh38, chr6:89,950,754, plus strand): 5'-CCGGCTCCCACCCACAGACCCTTTGGCACCGGCTCAGAGAGGTCTTTGTCCAAACTGCTC[A>G]CCCCAGAATAAGAATGCACCGAGGTGCTCACTTGGTCACAAGCGCTGGAGGAGAAGATCA-3'
Protein context (NP_068585.1, residues 441-461): VSTSVHSYSG[Val451Ala]SSLDKDLSEP